The following is an entry in ClinVar:

ClinVar aggregate classification (germline): Pathogenic (1 of 4 stars; one submission).

Submission:

Baylor Genetics
Classification: Pathogenic. Last evaluated: 2018-11-01. Review status: criteria provided, single submitter. Criteria: ACMG CNV Guidelines, 2011. Collection method: clinical testing. Allele origin: germline. Observed: 2 variant alleles.
Comment: Deletions involving this region have been previously reported in patients with growth retardation, delayed psychomotor development, dysmorphic facial features, and skeletal abnormalities [PMID: 24140112]

GRCh37/hg19 8q24.3(chr8:144868670-144912400)

Genes: PUF60 (poly(U) binding splicing factor 60; minus strand), SCRIB (scribble planar cell polarity protein; minus strand). Cytogenetic location: 8q24.3.
Variant type: copy number loss.
Identifiers: ClinVar variation 625654 (VCV000625654.1).